The following is an entry in ClinVar:

NM_014874.4(MFN2):c.2223G>A (p.Leu741=)

Gene: MFN2 (mitofusin 2; plus strand). Cytogenetic location: 1p36.22.
Variant type: single nucleotide variant.
Coding change: c.2223G>A on transcript NM_014874.4 (MANE Select); coding-DNA position 2223, G replaced by A.
Protein change: p.Leu741=; no amino-acid change (leucine 741 retained).
Molecular consequence: synonymous variant.
Genome position (GRCh38, 1-based): chr1:12,011,514, G>A. VCF-style: chr1-12011514-G-A. GRCh37 (hg19) VCF-style: chr1-12071571-G-A.
Other names: c.2223G>A, p.Leu741= (NM_001127660.2).
Identifiers: ClinVar variation 4282230 (VCV004282230.1).

ClinVar aggregate classification (germline): Uncertain significance (1 of 4 stars; one submission).

Submission:

GeneDx
Classification: Uncertain significance. Last evaluated: 2025-04-20. Review status: criteria provided, single submitter. Criteria: GeneDx Variant Classification Process June 2021. Collection method: clinical testing. Allele origin: germline. Affected: yes.
Comment: Not observed at significant frequency in large population cohorts (gnomAD); Has not been previously published as pathogenic or benign to our knowledge; In silico analysis is inconclusive as to whether the variant alters gene splicing. In the absence of RNA/functional studies, the actual effect of this sequence change is unknown